The following is an entry in ClinVar:

ClinVar aggregate classification (germline): Likely pathogenic (3 of 4 stars; one submission).

Conditions:
Open-angle glaucoma. Identifiers: MedGen C0017612, MONDO:0005338, HP:0012108.

Submission:

ClinGen Glaucoma Variant Curation Expert Panel
Classification: Likely pathogenic for Open-angle glaucoma. Last evaluated: 2025-11-12. Review status: reviewed by expert panel. Criteria: ClinGen Glaucoma ACMG Specifications V2.0.0 Approved. Collection method: curation. Allele origin: germline. Inheritance: Autosomal dominant inheritance.
Comment: The c.967G>A variant in MYOC is a missense variant predicted to cause substitution of Glutamic Acid by Lysine at amino acid 323 (p.Glu323Lys). This variant was not found in any genetic ancestry group of gnomAD (v4.1.0), meeting the ≤ 0.0001 threshold set for PM2_Supporting in a genetic ancestry group of at least 10,000 alleles. The REVEL score = 0.759, which was within the 0.644-0.772 range for PP3, predicting a damaging effect on MYOC function. The Glu323Lys protein had increased insolubility, instability and reduced secretion levels compared to wild type myocilin protein in this these studies (PMIDs: 16466712, 21612213, 23129764). The assays met the OddsPath threshold for PS3_Moderate (> 4.3). This protein has also been assessed in these other studies (PMIDs: 11004290, 10545602, 15069026, 16297911), however, the same level of evidence was not met. 10 segregations in 1 family, with juvenile open angle glaucoma, have been reported (PMID: 9772276), which fulfilled PP1_Moderate (≥ 5 meioses in ≥ 1 family, but not the ≥ 7 meioses in > 1 family for the strong criterion). 5 probands with juvenile or primary open angle glaucoma have been reported carrying this variant (PMIDs: 9772276, 12616399, 37485465), which met PS4_Supporting (≥ 2 probands). In summary, this variant met the criteria to receive a score of 7 and to be classified as likely pathogenic (likely pathogenic classification range 6 to 9, adapted from PMID: 32720330) for juvenile open angle glaucoma based on the ACMG/AMP criteria met, as specified by the ClinGen Glaucoma VCEP (v2.0.0, 5 Dec 2024): PS3_Moderate, PP1_Moderate, PP3, PS4_Supporting, PM2_Supporting

Literature cited by the submitters: PubMed 21612213; PubMed 23129764; PubMed 25524706.

NM_000261.2(MYOC):c.967G>A (p.Glu323Lys)

Gene: MYOC (myocilin; minus strand). Cytogenetic location: 1q24.3.
Variant type: single nucleotide variant.
Coding change: c.967G>A on transcript NM_000261.2 (MANE Select); coding-DNA position 967, G replaced by A.
Protein change: p.Glu323Lys; replaces glutamic acid 323 with lysine.
Molecular consequence: missense variant.
Genome position (GRCh38, 1-based): chr1:171,636,473, C>T on the plus strand (G>A on the coding strand, the complement: MYOC is on the minus strand). VCF-style: chr1-171636473-C-T. GRCh37 (hg19) VCF-style: chr1-171605613-C-T.
Other names: NM_000261.2:c.967G>A; short protein forms E323K.
Identifiers: ClinVar variation 1342969 (VCV001342969.5), dbSNP rs1652924886, ClinGen allele CA343725312.